The following is an entry in ClinVar:

ClinVar aggregate classification (germline): Uncertain significance. Review status: criteria provided, multiple submitters, no conflicts (2 of 4 stars). 2 submissions from 2 submitters: Uncertain significance (2). Last evaluated 2024-05-09.

Conditions:
Inborn genetic diseases. Identifiers: MedGen C0950123, MeSH D030342.
Malignant hyperthermia, susceptibility to, 5 (MHS5). Also called: CACNA1S-Related Malignant Hyperthermia Susceptibility. Identifiers: Orphanet 423, MedGen C1866077, MONDO:0011163, OMIM 601887.

gnomAD v4.1: 5 of 1,613,620 alleles (0.00031%); highest among the groups gnomAD compares: East Asian, 0.011%; no homozygotes.

Submissions (2):

All of Us Research Program, National Institutes of Health
Classification: Uncertain significance for Malignant hyperthermia, susceptibility to, 5. Last evaluated: 2024-05-09. Review status: criteria provided, single submitter. Criteria: ACMG Guidelines, 2015. Collection method: clinical testing. Allele origin: germline. Inheritance: Autosomal dominant inheritance. Observed: 1 variant allele, 1 heterozygote.
Comment: This study involves interpretation of variants in research participants for the purpose of population health screening. Participant phenotype was not available at the time of variant classification. Additional details can be found in publication PMID: 35346344, PMCID: PMC8962531

Ambry Genetics
Classification: Uncertain significance for Inborn genetic diseases. Last evaluated: 2024-05-02. Review status: criteria provided, single submitter. Criteria: Ambry Variant Classification Scheme 2023. Collection method: clinical testing. Allele origin: germline.

NM_000069.3(CACNA1S):c.5144G>A (p.Ser1715Asn)

Gene: CACNA1S (calcium voltage-gated channel subunit alpha1 S; minus strand). Cytogenetic location: 1q32.1.
Variant type: single nucleotide variant.
Coding change: c.5144G>A on transcript NM_000069.3 (MANE Select); coding-DNA position 5144, G replaced by A.
Protein change: p.Ser1715Asn; replaces serine 1715 with asparagine.
Molecular consequence: missense variant.
Genome position (GRCh38, 1-based): chr1:201,040,704, C>T on the plus strand (G>A on the coding strand, the complement: CACNA1S is on the minus strand). VCF-style: chr1-201040704-C-T. GRCh37 (hg19) VCF-style: chr1-201009832-C-T.
Other names: short protein forms S1715N.
Identifiers: ClinVar variation 3262803 (VCV003262803.2).